The following is an entry in ClinVar:

ClinVar aggregate classification (germline): Pathogenic (1 of 4 stars; one submission).

Conditions:
Inborn genetic diseases. Identifiers: MedGen C0950123, MeSH D030342.

Submission:

Ambry Genetics
Classification: Pathogenic for Inborn genetic diseases. Last evaluated: 2026-03-23. Review status: criteria provided, single submitter. Criteria: Ambry Variant Classification Scheme 2023. Collection method: clinical testing. Allele origin: germline.
Comment: The c.4115dupA (p.A1373Gfs*6) alteration, located in exon 20 (coding exon 19) of the SPTBN1 gene, consists of a duplication of A at position 4115, causing a translational frameshift with a predicted alternate stop codon after 6 amino acids. This variant is expected to result in loss of function by premature protein truncation or nonsense-mediated mRNA decay. This variant was not reported in population-based cohorts in the Genome Aggregation Database (gnomAD). Based on the available evidence, this alteration is classified as pathogenic.

NM_003128.3(SPTBN1):c.4115dup (p.Ala1373fs)

Gene: SPTBN1 (spectrin beta, non-erythrocytic 1; plus strand). Cytogenetic location: 2p16.2.
Variant type: Duplication.
Coding change: c.4115dup on transcript NM_003128.3 (MANE Select); coding-DNA position 4115, one base duplicated (A; older notation c.4115dupA).
Protein change: p.Ala1373fs; shifts the reading frame from alanine 1373.
Molecular consequence: frameshift variant.
Genome position (GRCh38, 1-based): chr2:54,644,432, A duplicated; the last of 3 consecutive A bases (chr2:54,644,430-54,644,432); duplicating any one gives the same sequence. VCF-style (leftmost placement, unchanged base first): chr2-54644429-C-CA. GRCh37 (hg19) VCF-style: chr2-54871566-C-CA.
Other names: c.4076dup, p.Ala1360fs (NM_178313.3); short protein forms A1360fs, A1373fs.
Identifiers: ClinVar variation 4865085 (VCV004865085.1).